The following is an entry in ClinVar:

NM_020738.4(KIDINS220):c.3012-6097A>G

Gene: KIDINS220 (kinase D interacting substrate 220; minus strand). Cytogenetic location: 2p25.1.
Variant type: single nucleotide variant.
Coding change: c.3012-6097A>G on transcript NM_020738.4 (MANE Select); 6097 bases into the intron before coding-DNA position 3012, A replaced by G.
Molecular consequence: intron variant. On other transcripts: missense variant (1).
Genome position (GRCh38, 1-based): chr2:8,757,741, T>C on the plus strand (A>G on the coding strand, the complement: KIDINS220 is on the minus strand). VCF-style: chr2-8757741-T-C. GRCh37 (hg19) VCF-style: chr2-8897871-T-C.
Other names: c.3061A>G, p.Lys1021Glu (NM_001348745.2); c.3012-6097A>G (NM_001348741.2, NM_001348738.2, NM_001348742.2 and 3 more transcripts); c.3015-6097A>G (NM_001348739.2, NM_001348740.2, NM_001348734.2 and 2 more transcripts); c.2886-6097A>G (NM_001348736.2); short protein forms K1021E.
Identifiers: ClinVar variation 4998317 (VCV004998317.1).

ClinVar aggregate classification (germline): Uncertain significance (1 of 4 stars; one submission).

Conditions:
KIDINS220-related disorder. Also called: KIDINS220-related condition.

gnomAD v4.1: 3 of 1,612,366 alleles (0.00019%); highest among the groups gnomAD compares: South Asian, 0.0022%; no homozygotes.

Submission:

PreventionGenetics, part of Exact Sciences
Classification: Uncertain significance for KIDINS220-related condition. Last evaluated: 2025-01-29. Review status: criteria provided, single submitter. Criteria: ACMG Guidelines, 2015. Collection method: clinical testing. Allele origin: germline.
Comment: The KIDINS220 c.3061A>G variant is predicted to result in the amino acid substitution p.Lys1021Glu. To our knowledge, this variant has not been reported in the literature. This variant is reported in 0.0033% of alleles in individuals of South Asian descent in gnomAD. At this time, the clinical significance of this variant is uncertain due to the absence of conclusive functional and genetic evidence.